The following is an entry in ClinVar:

ClinVar aggregate classification (germline): Pathogenic (1 of 4 stars; one submission).

Conditions:
Tumor predisposition syndrome 2 (TPDS2). Also called: MBD4-ASSOCIATED NEOPLASIA SYNDROME; MBD4-Related Tumor Predisposition Syndrome; MBD4-associated neoplasia syndrome (MANS). Identifiers: Orphanet 661526, MedGen C5774186, MONDO:0859267, OMIM 619975.

Submission:

Myriad Genetics, Inc.
Classification: Pathogenic for Tumor predisposition syndrome 2. Last evaluated: 2026-09-16. Review status: criteria provided, single submitter. Criteria: Myriad Autosomal Dominant, Autosomal Recessive and X-Linked Classification Criteria (2023). Collection method: clinical testing. Allele origin: unknown.
Comment: This variant is considered pathogenic. This variant creates a frameshift predicted to result in premature protein truncation.

NM_001276270.2(MBD4):c.1274del (p.Arg425fs)

Gene: MBD4 (methyl-CpG binding domain 4, DNA glycosylase; minus strand). Cytogenetic location: 3q21.3.
Variant type: Deletion.
Coding change: c.1274del on transcript NM_001276270.2 (MANE Select); coding-DNA position 1274, one base deleted (G; older notation c.1274delG).
Protein change: p.Arg425fs; shifts the reading frame from arginine 425.
Molecular consequence: frameshift variant.
Genome position (GRCh38, 1-based): chr3:129,433,969, C deleted on the plus strand (G on the coding strand, the reverse complement: MBD4 is on the minus strand). VCF-style (leftmost placement, unchanged base first): chr3-129433968-TC-T. GRCh37 (hg19) VCF-style: chr3-129152811-TC-T.
Other names: c.1292del, p.Arg431fs (NM_001276271.2, NM_001276272.2, NM_003925.3); c.338del, p.Arg113fs (NM_001276273.2); short protein forms R113fs, R425fs, R431fs.
Identifiers: ClinVar variation 5042296 (VCV005042296.1).
Genomic context (GRCh38, chr3:129,433,968, plus strand): 5'-TGTTTCTTGAACGAGATTAAAAGGTGACCGAGGAGGTGTCCATTTCTTAAAGGCTTTACG[TC>T]GTGGGGGGCTAAGAGCTAAACAAACATAGTGCATCAGAATTGAAAACCCAAAATGGAATT-3'